The following is an entry in ClinVar:

NM_000245.4(MET):c.3017C>G (p.Thr1006Ser)

Gene: MET (MET proto-oncogene, receptor tyrosine kinase; plus strand). Cytogenetic location: 7q31.2.
Variant type: single nucleotide variant.
Coding change: c.3017C>G on transcript NM_000245.4 (MANE Select); coding-DNA position 3017, C replaced by G.
Protein change: p.Thr1006Ser; replaces threonine 1006 with serine.
Molecular consequence: missense variant.
Genome position (GRCh38, 1-based): chr7:116,771,978, C>G. VCF-style: chr7-116771978-C-G. GRCh37 (hg19) VCF-style: chr7-116412032-C-G.
Other names: c.3071C>G, p.Thr1024Ser (NM_001127500.3); c.1727C>G, p.Thr576Ser (NM_001324402.2); short protein forms T1006S, T1024S, T576S.
Identifiers: ClinVar variation 1001674 (VCV001001674.12), dbSNP rs1794851181, ClinGen allele CA368987480.

ClinVar aggregate classification (germline): Uncertain significance. Review status: criteria provided, multiple submitters, no conflicts (2 of 4 stars). 3 submissions from 3 submitters: Uncertain significance (3). Last evaluated 2024-04-08.

Conditions:
Renal cell carcinoma. Identifiers: Orphanet 217071, MedGen C0007134, MeSH D002292, MONDO:0005086, HP:0005584.
Hereditary cancer-predisposing syndrome. Also called: Hereditary Cancer Syndrome; Hereditary neoplastic syndrome; Tumor predisposition; Neoplastic Syndromes, Hereditary. Identifiers: Orphanet 140162, MedGen C0027672, MeSH D009386, MONDO:0015356.

Allele frequency attached by ClinVar (database versions not stated): gnomAD exomes below 0.00001.
gnomAD v4.1: 1 of 1,613,806 alleles (0.000062%); highest among the groups gnomAD compares: Non-Finnish European, 0.000085%; no homozygotes.

Submissions (3):

Labcorp Genetics (formerly Invitae), Labcorp
Classification: Uncertain significance for Renal cell carcinoma. Last evaluated: 2024-04-08. Review status: criteria provided, single submitter. Criteria: Invitae Variant Classification Sherloc (09022015). Collection method: clinical testing. Allele origin: germline.
Comment: This sequence change replaces threonine, which is neutral and polar, with serine, which is neutral and polar, at codon 1024 of the MET protein (p.Thr1024Ser). This variant is not present in population databases (gnomAD no frequency). This variant has not been reported in the literature in individuals affected with MET-related conditions. ClinVar contains an entry for this variant (Variation ID: 1001674). Advanced modeling of protein sequence and biophysical properties (such as structural, functional, and spatial information, amino acid conservation, physicochemical variation, residue mobility, and thermodynamic stability) performed at Invitae indicates that this missense variant is not expected to disrupt MET protein function with a negative predictive value of 80%. In summary, the available evidence is currently insufficient to determine the role of this variant in disease. Therefore, it has been classified as a Variant of Uncertain Significance.

Ambry Genetics
Classification: Uncertain significance for Hereditary cancer-predisposing syndrome. Last evaluated: 2022-01-18. Review status: criteria provided, single submitter. Criteria: Ambry Variant Classification Scheme 2023. Collection method: clinical testing. Allele origin: germline.
Comment: The p.T1024S variant (also known as c.3071C>G), located in coding exon 13 of the MET gene, results from a C to G substitution at nucleotide position 3071. The threonine at codon 1024 is replaced by serine, an amino acid with similar properties. This amino acid position is highly conserved in available vertebrate species. In addition, this alteration is predicted to be tolerated by in silico analysis. Since supporting evidence is limited at this time, the clinical significance of this alteration remains unclear.

Blueprint Genetics
Classification: Uncertain significance. Last evaluated: 2021-04-30. Review status: criteria provided, single submitter. Criteria: ACMG Guidelines, 2015. Collection method: clinical testing. Allele origin: germline.